The following is an entry in ClinVar:

ClinVar aggregate classification (germline): Uncertain significance (1 of 4 stars; one submission).

Submission:

Greenwood Genetic Center Diagnostic Laboratories, Greenwood Genetic Center
Classification: Uncertain significance. Last evaluated: 2021-12-03. Review status: criteria provided, single submitter. Criteria: ACMG Guidelines, 2015. Collection method: clinical testing. Allele origin: germline. Affected: yes.
Comment: PP3, PM2

NM_000516.7(GNAS):c.756C>A (p.Ser252Arg)

Gene: GNAS (GNAS complex locus; plus strand). Cytogenetic location: 20q13.32.
Variant type: single nucleotide variant.
Coding change: c.756C>A on transcript NM_000516.7 (MANE Select); coding-DNA position 756, C replaced by A.
Protein change: p.Ser252Arg; replaces serine 252 with arginine.
Molecular consequence: missense variant. On other transcripts: 3 prime UTR variant (2).
Genome position (GRCh38, 1-based): chr20:58,909,721, C>A. VCF-style: chr20-58909721-C-A. GRCh37 (hg19) VCF-style: chr20-57484776-C-A.
Other names: c.759C>A, p.Ser253Arg (NM_001077488.5); c.711C>A, p.Ser237Arg (NM_001077489.4); c.*617C>A (NM_001077490.3); c.579C>A, p.Ser193Arg (NM_001309840.2, NM_001309861.2); c.*662C>A (NM_016592.5); c.2685C>A, p.Ser895Arg (NM_080425.4); c.714C>A, p.Ser238Arg (NM_080426.4); short protein forms S193R, S237R, S238R, S252R, S253R, S895R.
Identifiers: ClinVar variation 1334696 (VCV001334696.4), dbSNP rs2146284866, ClinGen allele CA409452524.